The following is an entry in ClinVar:

NM_014018.3(MRPS28):c.229G>A (p.Val77Met)

Genes: MRPS28 (mitochondrial ribosomal protein S28; minus strand), TPD52-MRPS28 (TPD52-MRPS28 readthrough; minus strand). Cytogenetic location: 8q21.13.
Variant type: single nucleotide variant.
Coding change: c.229G>A on transcript NM_014018.3 (MANE Select); coding-DNA position 229, G replaced by A.
Protein change: p.Val77Met; replaces valine 77 with methionine.
Molecular consequence: missense variant.
Genome position (GRCh38, 1-based): chr8:80,003,165, C>T on the plus strand (G>A on the coding strand, the complement: MRPS28 is on the minus strand). VCF-style: chr8-80003165-C-T. GRCh37 (hg19) VCF-style: chr8-80915400-C-T.
Other names: c.451G>A, p.Val151Met (NM_001387778.1); short protein forms V151M, V77M.
Identifiers: ClinVar variation 3050001 (VCV003050001.2), dbSNP rs148845662, ClinGen allele CA4789983.

ClinVar aggregate classification (germline): Likely benign (0 of 4 stars; one submission).

Conditions:
MRPS28-related disorder. Also called: MRPS28-related condition.

Allele frequency attached by ClinVar (database versions not stated): gnomAD exomes 0.00018; ExAC 0.00036; 1000 Genomes Project 30x 0.00062; 1000 Genomes Project 0.00080; gnomAD 0.00094; TOPMed 0.00103; ESP Exome Variant Server 0.00115.
gnomAD v4.1: 415 of 1,583,758 alleles (0.026%); highest among the groups gnomAD compares: African/African-American, 0.29%; no homozygotes.

Submission:

PreventionGenetics, part of Exact Sciences
Classification: Likely benign for MRPS28-related condition. Last evaluated: 2024-09-19. Review status: no assertion criteria provided. Collection method: clinical testing. Allele origin: germline.
Comment: This variant is classified as likely benign based on ACMG/AMP sequence variant interpretation guidelines (Richards et al. 2015 PMID: 25741868, with internal and published modifications).